The following is an entry in ClinVar:

ClinVar aggregate classification (germline): Benign (0 of 4 stars; one submission).

Conditions:
RECQL5-related disorder. Also called: RECQL5-related condition.

Allele frequency attached by ClinVar (database versions not stated): ESP Exome Variant Server 0.47521; TOPMed 0.49317; gnomAD 0.50604; 1000 Genomes Project 30x 0.51593; 1000 Genomes Project 0.52596.
gnomAD v4.1: 902,400 of 1,515,328 alleles (60%); highest among the groups gnomAD compares: East Asian, 82%; 276,486 homozygotes.

Submission:

PreventionGenetics, part of Exact Sciences
Classification: Benign for RECQL5-related condition. Last evaluated: 2019-10-30. Review status: no assertion criteria provided. Collection method: clinical testing. Allele origin: germline.
Comment: This variant is classified as benign based on ACMG/AMP sequence variant interpretation guidelines (Richards et al. 2015 PMID: 25741868, with internal and published modifications).

NM_004259.7(RECQL5):c.2073C>T (p.His691=)

Gene: RECQL5 (RecQ like helicase 5; minus strand). Cytogenetic location: 17q25.1.
Variant type: single nucleotide variant.
Coding change: c.2073C>T on transcript NM_004259.7 (MANE Select); coding-DNA position 2073, C replaced by T.
Protein change: p.His691=; no amino-acid change (histidine 691 retained).
Molecular consequence: synonymous variant.
Genome position (GRCh38, 1-based): chr17:75,629,350, G>A on the plus strand (C>T on the coding strand, the complement: RECQL5 is on the minus strand). VCF-style: chr17-75629350-G-A. GRCh37 (hg19) VCF-style: chr17-73625430-G-A.
Identifiers: ClinVar variation 3059161 (VCV003059161.2), dbSNP rs4788902, ClinGen allele CA8767165.
Genomic context (GRCh38, chr17:75,629,350, plus strand): 5'-CCCAGGGAGGGGCTCACTCCCATCCTCATCCAGGAGGCCACAGGGCCGGCTCGGGGGCTC[G>A]TGCTCGCCTCCCCGCTCGGGCTGGGGGGCTTGCTCCCTGATCCGAGTTGTCTCCATCAGT-3'
Protein context (NP_004250.4, residues 681-701): QAPQPERGGE[His691=]EPPSRPCGLL